The following is an entry in ClinVar:

NM_005807.6(PRG4):c.1910_1911del (p.Pro637fs)

Gene: PRG4 (proteoglycan 4; plus strand). Cytogenetic location: 1q31.1.
Variant type: Deletion.
Coding change: c.1910_1911del on transcript NM_005807.6 (MANE Select); coding-DNA positions 1910 to 1911, 2 bases deleted (CT; older notation c.1910_1911delCT).
Protein change: p.Pro637fs; shifts the reading frame from proline 637.
Molecular consequence: frameshift variant.
Genome position (GRCh38, 1-based): chr1:186,307,629-186,307,630, CT deleted. VCF-style (leftmost placement, unchanged base first): chr1-186307628-CCT-C. GRCh37 (hg19) VCF-style: chr1-186276760-CCT-C.
Other names: c.1787_1788del, p.Pro596fs (NM_001127708.3); c.1631_1632del, p.Pro544fs (NM_001127709.3); c.1508_1509del, p.Pro503fs (NM_001127710.3); c.1781_1782del, p.Pro594fs (NM_001303232.2); short protein forms P637fs, P503fs, P544fs, P594fs, P596fs.
Identifiers: ClinVar variation 684670 (VCV000684670.5), dbSNP rs780281715, ClinGen allele CA1296309.
Genomic context (GRCh38, chr1:186,307,628, plus strand): 5'-GCACCCACCACCCCCAAGAAGCTCACGCCCACCACCCCCGAGAAGCTCGCACCCACCACC[CCT>C]GAGAAGCCCGCACCCACCACCCCTGAGGAGCTCGCACCCACCACCCCTGAGGAGCCCACA-3'

ClinVar aggregate classification (germline): Pathogenic. Review status: criteria provided, multiple submitters, no conflicts (2 of 4 stars). 4 submissions from 4 submitters: Pathogenic (2). 2 of the submissions do not count toward it. Last evaluated 2024-01-22.

Conditions:
Camptodactyly-arthropathy-coxa vara-pericarditis syndrome. Also called: FIBROSING SEROSITIS, FAMILIAL; Arthropathy camptodactyly syndrome; Pericarditis arthropathy camptodactyly syndrome; Congenital familial hypertrophic synovitis; JACOBS SYNDROME; PAC SYNDROME. Identifiers: Orphanet 2848, MedGen C1859690, MONDO:0008828, OMIM 208250.
PRG4-related disorder. Also called: PRG4-related condition.

Allele frequency attached by ClinVar (database versions not stated): gnomAD exomes 0.00002 and 0.00003; ExAC 0.00003; gnomAD 0.00001.

Submissions (4):

Blueprint Genetics
Classification: Pathogenic for PRG4-related disorders. Last evaluated: 2024-01-22. Review status: criteria provided, single submitter. Criteria: ACMG Guidelines, 2015. Collection method: clinical testing. Allele origin: germline. Affected: yes. Observed: 3 variant alleles.

3billion
Classification: Pathogenic for Camptodactyly-arthropathy-coxa vara-pericarditis syndrome. Last evaluated: 2022-01-03. Review status: criteria provided, single submitter. Criteria: ACMG Guidelines, 2015. Collection method: clinical testing. Allele origin: germline. Affected: yes. Observed: 1 heterozygote.
Comment: Frameshift: predicted to result in a loss or disruption of normal protein function through nonsense-mediated decay (NMD) or protein truncation. Multiple pathogenic variants are reported downstream of the variant (PVS1_VS). It is observed at an extremely low frequency in the gnomAD v2.1.1 dataset (total allele frequency: 0.000025, PM2_M). The variant has been reported to be associated with PRG4 related disorder (ClinVar ID: VCV000684670, PMID:29397575). Therefore, this variant is classified as pathogenic according to the recommendation of ACMG/AMP guideline.

Yale Center for Mendelian Genomics, Yale University
Classification: Pathogenic for Camptodactyly-arthropathy-coxa vara-pericarditis syndrome. Last evaluated: 2018-02-04. Review status: no assertion criteria provided. Collection method: literature only. Allele origin: germline. Affected: yes. Observed: 1 homozygote. Not counted in ClinVar's aggregate classification.

Kasturba Medical College, Manipal, Kasturba Medical College, Manipal, Manipal Academy of Higher Education, Manipal, India
Classification: Pathogenic for Camptodactyly-arthropathy-coxa vara-pericarditis syndrome. Review status: no assertion criteria provided. Collection method: clinical testing. Allele origin: biparental. Affected: yes. Not counted in ClinVar's aggregate classification.

Literature cited by the submitters: PubMed 29397575 (cited by 3billion and Yale Center for Mendelian Genomics, Yale University); DOI 10.1002/mgg3.364 (cited by Kasturba Medical College, Manipal, Kasturba Medical College, Manipal, Manipal Academy of Higher Education, Manipal, India).